The following is an entry in ClinVar:

NM_152703.5(SAMD9L):c.2801A>G (p.Asp934Gly)

Gene: SAMD9L (sterile alpha motif domain containing 9 like; minus strand). Cytogenetic location: 7q21.2.
Variant type: single nucleotide variant.
Coding change: c.2801A>G on transcript NM_152703.5 (MANE Select); coding-DNA position 2801, A replaced by G.
Protein change: p.Asp934Gly; replaces aspartic acid 934 with glycine.
Molecular consequence: missense variant.
Genome position (GRCh38, 1-based): chr7:93,133,171, T>C on the plus strand (A>G on the coding strand, the complement: SAMD9L is on the minus strand). VCF-style: chr7-93133171-T-C. GRCh37 (hg19) VCF-style: chr7-92762484-T-C.
Other names: c.2801A>G (NM_152703.2); c.2801A>G, p.Asp934Gly (NM_001303496.3, NM_001303497.3, NM_001303498.3 and 5 more transcripts); short protein forms D934G.
Identifiers: ClinVar variation 1490874 (VCV001490874.9), dbSNP rs978634830, ClinGen allele CA161960032.

ClinVar aggregate classification (germline): Uncertain significance. Review status: criteria provided, multiple submitters, no conflicts (2 of 4 stars). 3 submissions from 3 submitters: Uncertain significance (3). Last evaluated 2024-11-17.

Conditions:
Inborn genetic diseases. Identifiers: MedGen C0950123, MeSH D030342.

Allele frequency attached by ClinVar (database versions not stated): gnomAD exomes below 0.00001 and 0.00001; gnomAD 0.00001; TOPMed 0.00001.

Submissions (3):

Ambry Genetics
Classification: Uncertain significance for Inborn genetic diseases. Last evaluated: 2024-11-17. Review status: criteria provided, single submitter. Criteria: Ambry Variant Classification Scheme 2023. Collection method: clinical testing. Allele origin: germline.
Comment: The p.D934G variant (also known as c.2801A>G), located in coding exon 1 of the SAMD9L gene, results from an A to G substitution at nucleotide position 2801. The aspartic acid at codon 934 is replaced by glycine, an amino acid with similar properties. This amino acid position is conserved. In addition, this alteration is predicted to be tolerated by in silico analysis. Based on the available evidence, the clinical significance of this variant remains unclear.

Labcorp Genetics (formerly Invitae), Labcorp
Classification: Uncertain significance. Last evaluated: 2022-07-14. Review status: criteria provided, single submitter. Criteria: Invitae Variant Classification Sherloc (09022015). Collection method: clinical testing. Allele origin: germline.
Comment: This sequence change replaces aspartic acid, which is acidic and polar, with glycine, which is neutral and non-polar, at codon 934 of the SAMD9L protein (p.Asp934Gly). This variant is present in population databases (no rsID available, gnomAD 0.006%). This variant has not been reported in the literature in individuals affected with SAMD9L-related conditions. ClinVar contains an entry for this variant (Variation ID: 1490874). Experimental studies and prediction algorithms are not available or were not evaluated, and the functional significance of this variant is currently unknown. In summary, the available evidence is currently insufficient to determine the role of this variant in disease. Therefore, it has been classified as a Variant of Uncertain Significance.

GeneDx
Classification: Uncertain significance. Last evaluated: 2022-02-11. Review status: criteria provided, single submitter. Criteria: GeneDx Variant Classification Process June 2021. Collection method: clinical testing. Allele origin: germline. Affected: yes.
Comment: Not observed at significant frequency in large population cohorts (gnomAD); In silico analysis supports that this missense variant does not alter protein structure/function; Has not been previously published as pathogenic or benign to our knowledge; This variant is associated with the following publications: (PMID: 28545555)